The following is an entry in ClinVar:

ClinVar aggregate classification (germline): Likely pathogenic (1 of 4 stars; one submission).

Conditions:
Cardiovascular phenotype. Identifiers: MedGen CN230736.

Submission:

Ambry Genetics
Classification: Likely pathogenic for Cardiovascular phenotype. Last evaluated: 2025-11-07. Review status: criteria provided, single submitter. Criteria: Ambry Variant Classification Scheme 2023. Collection method: clinical testing. Allele origin: germline.
Comment: The c.18561delA variant, located in coding exon 74 of the TTN gene, results from a deletion of one nucleotide at nucleotide position 18561, causing a translational frameshift with a predicted alternate stop codon (p.K6187Nfs*9). This exon is located in the I-band region of the N2-B isoform of the titin protein and is constitutively expressed in TTN transcripts (percent spliced in or PSI 100%). This variant is expected to result in loss of function by premature protein truncation or nonsense-mediated mRNA decay. While truncating variants in TTN are present in 1-3% of the general population, truncating variants in the A-band are the most common cause of dilated cardiomyopathy (Herman DS et al. N. Engl. J. Med., 2012 Feb;366:619-28; Roberts AM et al. Sci Transl Med, 2015 Jan;7:270ra6). TTN truncating variants encoded in constitutive exons (PSI >90%) have been found to be significantly associated with DCM regardless of their position in titin (Schafer S et al. Nat. Genet., 2017 01;49:46-53; Akhtar MM et al. Circ Heart Fail, 2020 Oct;13:e006832; Massier M et al. Clin Genet, 2025 Jan). This variant is considered to be rare based on population cohorts in the Genome Aggregation Database (gnomAD). Based on the majority of available evidence to date, this variant is likely to be pathogenic.

NM_001267550.2(TTN):c.45756del (p.Lys15252fs)

Gene: TTN (titin; minus strand). Cytogenetic location: 2q31.2.
Variant type: Deletion.
Coding change: c.45756del on transcript NM_001267550.2 (MANE Select); coding-DNA position 45756, one base deleted (A; older notation c.45756delA).
Protein change: p.Lys15252fs; shifts the reading frame from lysine 15252.
Molecular consequence: frameshift variant.
Genome position (GRCh38, 1-based): chr2:178,620,854, T deleted on the plus strand (A on the coding strand, the reverse complement: TTN is on the minus strand); the first of 4 consecutive T bases (chr2:178,620,854-178,620,857); deleting any one gives the same sequence. VCF-style (leftmost placement, unchanged base first): chr2-178620853-AT-A. GRCh37 (hg19) VCF-style: chr2-179485580-AT-A.
Other names: c.18561delA (NM_003319.4); c.40833del, p.Lys13611fs (NM_001256850.1); c.18561del, p.Lys6187fs (NM_003319.4); c.38052del, p.Lys12684fs (NM_133378.4); c.18936del, p.Lys6312fs (NM_133432.3); c.19137del, p.Lys6379fs (NM_133437.4); short protein forms K6187fs, K13611fs, K15252fs, K6312fs, K6379fs, K12684fs.
Identifiers: ClinVar variation 4615352 (VCV004615352.1).